The following is an entry in ClinVar:

NM_014712.3(SETD1A):c.1394C>T (p.Pro465Leu)

Gene: SETD1A (SET domain containing 1A, histone lysine methyltransferase; plus strand). Cytogenetic location: 16p11.2.
Variant type: single nucleotide variant.
Coding change: c.1394C>T on transcript NM_014712.3 (MANE Select); coding-DNA position 1394, C replaced by T.
Protein change: p.Pro465Leu; replaces proline 465 with leucine.
Molecular consequence: missense variant.
Genome position (GRCh38, 1-based): chr16:30,965,136, C>T. VCF-style: chr16-30965136-C-T. GRCh37 (hg19) VCF-style: chr16-30976457-C-T.
Other names: short protein forms P465L.
Identifiers: ClinVar variation 3572577 (VCV003572577.1).

ClinVar aggregate classification (germline): Uncertain significance (1 of 4 stars; one submission).

Submission:

GeneDx
Classification: Uncertain significance. Last evaluated: 2024-07-08. Review status: criteria provided, single submitter. Criteria: GeneDx Variant Classification Process June 2021. Collection method: clinical testing. Allele origin: germline. Affected: yes.
Comment: Not observed at significant frequency in large population cohorts (gnomAD); In silico analysis supports that this missense variant has a deleterious effect on protein structure/function; Has not been previously published as pathogenic or benign to our knowledge